The following is an entry in ClinVar:

ClinVar aggregate classification (germline): Uncertain significance. Review status: criteria provided, multiple submitters, no conflicts (2 of 4 stars). 2 submissions from 2 submitters: Uncertain significance (2). Last evaluated 2024-05-10.

Conditions:
Joubert syndrome 17 (JBTS17). Identifiers: Orphanet 475, MedGen C3553264, MONDO:0013824, OMIM 614615.
Orofaciodigital syndrome type 6 (OFD6). Also called: OROFACIODIGITAL SYNDROME VI; OFDS VI; POLYDACTYLY, CLEFT LIP/PALATE OR LINGUAL LUMP, AND PSYCHOMOTOR RETARDATION; VARADI SYNDROME; VARADI-PAPP SYNDROME; Oral-facial-digital syndrome type 6. Identifiers: Orphanet 2754, MedGen C2745997, MONDO:0010176, OMIM 277170.

Allele frequency attached by ClinVar (database versions not stated): gnomAD exomes 0.00002 and 0.00006; ExAC 0.00007; ESP Exome Variant Server 0.00008; gnomAD 0.00015; 1000 Genomes Project 0.00020; TOPMed 0.00022; 1000 Genomes Project 30x 0.00031.
gnomAD v4.1: 58 of 1,614,038 alleles (0.0036%); highest among the groups gnomAD compares: Middle Eastern, 0.099%; 1 homozygote.

Submissions (2):

Fulgent Genetics
Classification: Uncertain significance for Orofaciodigital syndrome type 6; Joubert syndrome 17. Last evaluated: 2024-05-10. Review status: criteria provided, single submitter. Criteria: ACMG Guidelines, 2015. Collection method: clinical testing. Allele origin: germline.

Labcorp Genetics (formerly Invitae), Labcorp
Classification: Uncertain significance. Last evaluated: 2024-01-19. Review status: criteria provided, single submitter. Criteria: Invitae Variant Classification Sherloc (09022015). Collection method: clinical testing. Allele origin: germline.
Comment: This sequence change replaces arginine, which is basic and polar, with histidine, which is basic and polar, at codon 1421 of the CPLANE1 protein (p.Arg1421His). The frequency data for this variant in the population databases is considered unreliable, as metrics indicate poor data quality at this position in the gnomAD database. This variant has not been reported in the literature in individuals affected with CPLANE1-related conditions. ClinVar contains an entry for this variant (Variation ID: 1502828). Advanced modeling of protein sequence and biophysical properties (such as structural, functional, and spatial information, amino acid conservation, physicochemical variation, residue mobility, and thermodynamic stability) performed at Invitae indicates that this missense variant is not expected to disrupt CPLANE1 protein function with a negative predictive value of 95%. In summary, the available evidence is currently insufficient to determine the role of this variant in disease. Therefore, it has been classified as a Variant of Uncertain Significance.

NM_001384732.1(CPLANE1):c.4262G>A (p.Arg1421His)

Gene: CPLANE1 (ciliogenesis and planar polarity effector complex subunit 1; minus strand). Cytogenetic location: 5p13.2.
Variant type: single nucleotide variant.
Coding change: c.4262G>A on transcript NM_001384732.1 (MANE Select); coding-DNA position 4262, G replaced by A.
Protein change: p.Arg1421His; replaces arginine 1421 with histidine.
Molecular consequence: missense variant.
Genome position (GRCh38, 1-based): chr5:37,185,007, C>T on the plus strand (G>A on the coding strand, the complement: CPLANE1 is on the minus strand). VCF-style: chr5-37185007-C-T. GRCh37 (hg19) VCF-style: chr5-37185109-C-T.
Other names: c.4262G>A, p.Arg1421His (NM_023073.4); c.4262G>A (NM_023073.3); short protein forms R1421H.
Identifiers: ClinVar variation 1502828 (VCV001502828.5), dbSNP rs139594497, ClinGen allele CA3238733.
Genomic context (GRCh38, chr5:37,185,007, plus strand): 5'-TTCTCTTCTTCAATTGGTTCCCATATATTCACTTCAAAAGAGCCTATATTTCTCTGCACA[C>T]GTTTTAGAGCTTTCACCCTCACTTTCTGGATAGAATGCATGACAACAGACATCATTTCCT-3'
Protein context (NP_001371661.1, residues 1411-1431): IQKVRVKALK[Arg1421His]VQRNIGSFEV